The following is an entry in ClinVar:

ClinVar aggregate classification (germline): Likely benign. Review status: criteria provided, multiple submitters, no conflicts (2 of 4 stars). 3 submissions from 3 submitters: Likely benign (2). 1 of the submissions does not count toward it. Last evaluated 2022-10-23.

Conditions:
ARFGEF2-related disorder. Also called: ARFGEF2-related condition.

Allele frequency attached by ClinVar (database versions not stated): gnomAD exomes 0.00010 and 0.00025; ExAC 0.00012; gnomAD 0.00014 and 0.00015; TOPMed 0.00014; ESP Exome Variant Server 0.00015.
gnomAD v4.1: 392 of 1,613,974 alleles (0.024%); highest among the groups gnomAD compares: Non-Finnish European, 0.031%; no homozygotes.

Submissions (3):

Labcorp Genetics (formerly Invitae), Labcorp
Classification: Likely benign. Last evaluated: 2022-10-23. Review status: criteria provided, single submitter. Criteria: Invitae Variant Classification Sherloc (09022015). Collection method: clinical testing. Allele origin: germline.

GeneDx
Classification: Likely benign. Last evaluated: 2018-06-25. Review status: criteria provided, single submitter. Criteria: GeneDx Variant Classification Process June 2021. Collection method: clinical testing. Allele origin: germline. Affected: yes.

PreventionGenetics, part of Exact Sciences
Classification: Likely benign for ARFGEF2-related condition. Last evaluated: 2022-09-07. Review status: no assertion criteria provided. Collection method: clinical testing. Allele origin: germline. Not counted in ClinVar's aggregate classification.
Comment: This variant is classified as likely benign based on ACMG/AMP sequence variant interpretation guidelines (Richards et al. 2015 PMID: 25741868, with internal and published modifications).

NM_006420.3(ARFGEF2):c.2553G>A (p.Gln851=)

Gene: ARFGEF2 (ARF guanine nucleotide exchange factor 2; plus strand). Cytogenetic location: 20q13.13.
Variant type: single nucleotide variant.
Coding change: c.2553G>A on transcript NM_006420.3 (MANE Select); coding-DNA position 2553, G replaced by A.
Protein change: p.Gln851=; no amino-acid change (glutamine 851 retained).
Molecular consequence: synonymous variant.
Genome position (GRCh38, 1-based): chr20:48,989,304, G>A. VCF-style: chr20-48989304-G-A. GRCh37 (hg19) VCF-style: chr20-47605841-G-A.
Identifiers: ClinVar variation 1204867 (VCV001204867.10), dbSNP rs201238132, ClinGen allele CA9898683.
Genomic context (GRCh38, chr20:48,989,304, plus strand): 5'-CAGTGACTGCTAGCCACACCTATCATGCTCTTACTTTACAGATGTAGCTAGTGAAAAGCA[G>A]CGGCGGCTGCTGTACAACTTAGAGATGGAGCAAATGGCTAAAACAGCCAAAGCTCTGATG-3'
Protein context (NP_006411.2, residues 841-861): STKQNVASEK[Gln851=]RRLLYNLEME